The following is an entry in ClinVar:

NM_000501.4(ELN):c.1351A>T (p.Lys451Ter)

Gene: ELN (elastin; plus strand). Cytogenetic location: 7q11.23.
Variant type: single nucleotide variant.
Coding change: c.1351A>T on transcript NM_000501.4 (MANE Select); coding-DNA position 1351, A replaced by T.
Protein change: p.Lys451Ter; replaces lysine 451 with a stop codon.
Molecular consequence: nonsense.
Genome position (GRCh38, 1-based): chr7:74,056,707, A>T. VCF-style: chr7-74056707-A-T. GRCh37 (hg19) VCF-style: chr7-73471037-A-T.
Other names: c.1321A>T, p.Lys441Ter (NM_001081752.3, NM_001278917.2); c.1366A>T, p.Lys456Ter (NM_001081753.3, NM_001081754.3); c.1351A>T, p.Lys451Ter (NM_001081755.3, NM_001278912.2, NM_001278915.2 and 1 more transcripts); c.1165A>T, p.Lys389Ter (NM_001278913.2); c.1336A>T, p.Lys446Ter (NM_001278914.2); c.1309A>T, p.Lys437Ter (NM_001278916.2); c.1141A>T, p.Lys381Ter (NM_001278918.2); short protein forms K381*, K437*, K441*, K456*, K446*, K451*, K389*.
Identifiers: ClinVar variation 1382426 (VCV001382426.6), dbSNP rs2132079396, ClinGen allele CA367882066.

ClinVar aggregate classification (germline): Pathogenic (1 of 4 stars; one submission).

Conditions:
Supravalvar aortic stenosis (SVAS). Also called: Supravalvar aortic stenosis, Eisenberg type. Identifiers: Orphanet 3193, MedGen C0003499, MONDO:0008504, OMIM 185500, HP:0004381.

Submission:

Labcorp Genetics (formerly Invitae), Labcorp
Classification: Pathogenic for Supravalvar aortic stenosis. Last evaluated: 2021-03-09. Review status: criteria provided, single submitter. Criteria: Invitae Variant Classification Sherloc (09022015). Collection method: clinical testing. Allele origin: germline.
Comment: This sequence change creates a premature translational stop signal (p.Lys451*) in the ELN gene. It is expected to result in an absent or disrupted protein product. Loss-of-function variants in ELN are known to be pathogenic (PMID: 11175284). This variant is not present in population databases (ExAC no frequency). This variant has not been reported in the literature in individuals with ELN-related conditions. For these reasons, this variant has been classified as Pathogenic.

Literature cited by the submitters: PubMed 11175284.